The following is an entry in ClinVar:

ClinVar aggregate classification (germline): Pathogenic (1 of 4 stars; one submission).

Conditions:
Lynch syndrome 4 (LYNCH4). Also called: Hereditary non-polyposis colorectal cancer, type 4; Colorectal cancer, hereditary nonpolyposis, type 4. Identifiers: Orphanet 144, MedGen C1838333, MONDO:0013699, OMIM 614337. Disease mechanism: loss of function.

Submission:

Myriad Genetics, Inc.
Classification: Pathogenic for Lynch syndrome 4. Last evaluated: 2023-09-20. Review status: criteria provided, single submitter. Criteria: Myriad Autosomal Dominant, Autosomal Recessive and X-Linked Classification Criteria (2023). Collection method: clinical testing. Allele origin: unknown.
Comment: This variant is considered pathogenic. This variant creates a frameshift predicted to result in premature protein truncation.

NM_000535.7(PMS2):c.1354_1355del (p.Gly452fs)

Gene: PMS2 (PMS1 homolog 2, mismatch repair system component; minus strand). Cytogenetic location: 7p22.1.
Variant type: Deletion.
Coding change: c.1354_1355del on transcript NM_000535.7 (MANE Select); coding-DNA positions 1354 to 1355, 2 bases deleted (GG; older notation c.1354_1355delGG).
Protein change: p.Gly452fs; shifts the reading frame from glycine 452.
Molecular consequence: frameshift variant. On other transcripts: non-coding transcript variant (1), intron variant (1).
Genome position (GRCh38, 1-based): chr7:5,987,410-5,987,411, CC deleted on the plus strand (GG on the coding strand, the reverse complement: PMS2 is on the minus strand); deleting any 2 consecutive bases within chr7:5,987,410-5,987,413 gives the same sequence; the c. name uses the placement nearest the transcript's 3' end. VCF-style (leftmost placement, unchanged base first): chr7-5987409-ACC-A. GRCh37 (hg19) VCF-style: chr7-6027040-ACC-A.
Other names: c.947_948delGG, p.Gly317Tyrfs (NM_001018040.1); c.949_950del, p.Gly317fs (NM_001322003.2, NM_001322004.2, NM_001322005.2 and 16 more transcripts); c.1198_1199del, p.Gly400fs (NM_001322006.2, NM_001406870.1); c.1036_1037del, p.Gly346fs (NM_001322007.2, NM_001322008.2, NM_001406876.1 and 2 more transcripts); c.793_794del, p.Gly265fs (NM_001322010.2, NM_001406906.1, NM_001406907.1); c.421_422del, p.Gly141fs (NM_001322011.2, NM_001322012.2); c.781_782del, p.Gly261fs (NM_001322013.2, NM_001406909.1); c.1354_1355del, p.Gly452fs (NM_001322014.2, NM_001406871.1, NM_001406872.1); and 14 more; short protein forms G141fs, G195fs, G261fs, G265fs, G281fs, G294fs, G297fs, G317fs.
Identifiers: ClinVar variation 2674218 (VCV002674218.1), dbSNP rs2535806229, ClinGen allele CA2695198443.